The following is an entry in ClinVar:

ClinVar aggregate classification (germline): Uncertain significance (1 of 4 stars; one submission).

Submission:

GeneDx
Classification: Uncertain significance. Last evaluated: 2025-03-15. Review status: criteria provided, single submitter. Criteria: GeneDx Variant Classification Process June 2021. Collection method: clinical testing. Allele origin: germline. Affected: yes.
Comment: Not observed at significant frequency in large population cohorts (gnomAD); In silico analysis supports a deleterious effect on splicing; Has not been previously published as pathogenic or benign to our knowledge

NM_013275.6(ANKRD11):c.7807-3C>G

Gene: ANKRD11 (ankyrin repeat domain containing 11; minus strand). Cytogenetic location: 16q24.3.
Variant type: single nucleotide variant.
Coding change: c.7807-3C>G on transcript NM_013275.6 (MANE Select); 3 bases into the intron before coding-DNA position 7807, C replaced by G.
Molecular consequence: intron variant.
Genome position (GRCh38, 1-based): chr16:89,268,666, G>C on the plus strand (C>G on the coding strand, the complement: ANKRD11 is on the minus strand). VCF-style: chr16-89268666-G-C. GRCh37 (hg19) VCF-style: chr16-89335074-G-C.
Other names: c.7807-3C>G (NM_001256183.2, NM_001256182.2).
Identifiers: ClinVar variation 4083297 (VCV004083297.1).